The following is an entry in ClinVar:

ClinVar aggregate classification (germline): Uncertain significance (1 of 4 stars; one submission).

Conditions:
Hypertrophic cardiomyopathy 26. Also called: Cardiomyopathy, familial hypertrophic, 26. Identifiers: Orphanet 75249, MedGen C4310749, MONDO:0014883, OMIM 617047.
Myofibrillar myopathy 5. Also called: Filaminopathy (type); FILAMINOPATHY, AUTOSOMAL DOMINANT. Identifiers: Orphanet 171445, MedGen C1836050, MONDO:0012289, OMIM 609524.
Distal myopathy with posterior leg and anterior hand involvement. Also called: WILLIAMS DISTAL MYOPATHY. Identifiers: Orphanet 63273, MedGen C3279722, MONDO:0013550, OMIM 614065.

gnomAD v4.1: 1 of 1,613,076 alleles (0.000062%); highest among the groups gnomAD compares: Non-Finnish European, 0.000085%; no homozygotes.

Submission:

Labcorp Genetics (formerly Invitae), Labcorp
Classification: Uncertain significance for Distal myopathy with posterior leg and anterior hand involvement; Myofibrillar myopathy 5; Hypertrophic cardiomyopathy 26. Last evaluated: 2024-02-26. Review status: criteria provided, single submitter. Criteria: Invitae Variant Classification Sherloc (09022015). Collection method: clinical testing. Allele origin: germline.
Comment: This sequence change replaces valine, which is neutral and non-polar, with leucine, which is neutral and non-polar, at codon 412 of the FLNC protein (p.Val412Leu). This variant is not present in population databases (gnomAD no frequency). This variant has not been reported in the literature in individuals affected with FLNC-related conditions. Advanced modeling of protein sequence and biophysical properties (such as structural, functional, and spatial information, amino acid conservation, physicochemical variation, residue mobility, and thermodynamic stability) has been performed at Invitae for this missense variant, however the output from this modeling did not meet the statistical confidence thresholds required to predict the impact of this variant on FLNC protein function. In summary, the available evidence is currently insufficient to determine the role of this variant in disease. Therefore, it has been classified as a Variant of Uncertain Significance.

NM_001458.5(FLNC):c.1234G>C (p.Val412Leu)

Gene: FLNC (filamin C; plus strand). Cytogenetic location: 7q32.1.
Variant type: single nucleotide variant.
Coding change: c.1234G>C on transcript NM_001458.5 (MANE Select); coding-DNA position 1234, G replaced by C.
Protein change: p.Val412Leu; replaces valine 412 with leucine.
Molecular consequence: missense variant.
Genome position (GRCh38, 1-based): chr7:128,838,626, G>C. VCF-style: chr7-128838626-G-C. GRCh37 (hg19) VCF-style: chr7-128478680-G-C.
Other names: c.1234G>C, p.Val412Leu (NM_001127487.2); short protein forms V412L.
Identifiers: ClinVar variation 2938548 (VCV002938548.3), dbSNP rs1292424305, ClinGen allele CA369224401.
Genomic context (GRCh38, chr7:128,838,626, plus strand): 5'-TGTCCAGAGTGGTGCTGACAGCCTCTGTTTTCGGCAGGGGCCGGCACTGGCGATGTTGCT[G>C]TGGTGATCGTGGACCCACAGGGCCGGCGGGACACAGTGGAGGTGGCCCTGGAGGACAAGG-3'
Protein context (NP_001449.3, residues 402-422): TAGAGTGDVA[Val412Leu]VIVDPQGRRD